The following is an entry in ClinVar:

NM_001017420.3(ESCO2):c.760del (p.Thr254fs)

Gene: ESCO2 (establishment of sister chromatid cohesion N-acetyltransferase 2; plus strand). Cytogenetic location: 8p21.1.
Variant type: Deletion.
Coding change: c.760del on transcript NM_001017420.3 (MANE Select); coding-DNA position 760, one base deleted (A; older notation c.760delA).
Protein change: p.Thr254fs; shifts the reading frame from threonine 254.
Molecular consequence: frameshift variant.
Genome position (GRCh38, 1-based): chr8:27,777,068, A deleted; the last of 9 consecutive A bases (chr8:27,777,060-27,777,068); deleting any one gives the same sequence. VCF-style (leftmost placement, unchanged base first): chr8-27777059-GA-G. GRCh37 (hg19) VCF-style: chr8-27634576-GA-G.
Other names: p.K253fsX12; short protein forms T254fs.
Identifiers: ClinVar variation 21247 (VCV000021247.24), dbSNP rs80359852, ClinGen allele CA341793.

ClinVar aggregate classification (germline): Pathogenic. Review status: criteria provided, multiple submitters, no conflicts (2 of 4 stars). 8 submissions from 8 submitters: Pathogenic (6). 2 of the submissions do not count toward it. Last evaluated 2025-08-25.

Conditions:
Roberts-SC phocomelia syndrome (RBS). Also called: Hypomelia hypotrichosis facial hemangioma syndrome; LONG BONE DEFICIENCIES ASSOCIATED WITH CLEFT LIP-PALATE; Pseudothalidomide syndrome; Appelt-Gerken-Lenz syndrome; ESCO2 Spectrum Disorder. Identifiers: Orphanet 3103, MedGen C0392475, MONDO:0100253, OMIM 268300.

Submissions (8):

Natera, Inc.
Classification: Pathogenic for Roberts syndrome. Last evaluated: 2025-08-25. Review status: criteria provided, single submitter. Criteria: Natera Variant Classification Schema (03/2026). Collection method: clinical testing. Allele origin: germline.
Comment: The c.760delA variant in ESCO2 is a frameshift variant predicted to shift the reading frame beginning at codon 254 and leads to a stop codon 13 codons downstream. This variant is expected to result in nonsense mediated decay, truncation, or a dysfunctional protein product. This variant is rare in the general population with a frequency below the threshold expected for the associated phenotype(s). This variant has been observed in one or more individuals affected with the associated recessive disease, as either homozygous or compound heterozygous with a second variant (PMID: 16380922, 18411254). Additionally, this variant has been observed to segregate in affected family members (PMID: 16380922). Given the available evidence, this variant is classified as Pathogenic.

Labcorp Genetics (formerly Invitae), Labcorp
Classification: Pathogenic. Last evaluated: 2024-01-29. Review status: criteria provided, single submitter. Criteria: Invitae Variant Classification Sherloc (09022015). Collection method: clinical testing. Allele origin: germline.
Comment: This sequence change creates a premature translational stop signal (p.Thr254Leufs*13) in the ESCO2 gene. It is expected to result in an absent or disrupted protein product. Loss-of-function variants in ESCO2 are known to be pathogenic (PMID: 15821733, 16380922). The frequency data for this variant in the population databases is considered unreliable, as metrics indicate poor data quality at this position in the gnomAD database. This premature translational stop signal has been observed in individuals with Roberts syndrome (PMID: 16380922, 18411254). This variant is also known as c.752delA and p.K253fsX12. ClinVar contains an entry for this variant (Variation ID: 21247). Algorithms developed to predict the effect of sequence changes on RNA splicing suggest that this variant may disrupt the consensus splice site. For these reasons, this variant has been classified as Pathogenic.

Revvity Omics, Revvity
Classification: Pathogenic. Last evaluated: 2020-11-25. Review status: criteria provided, single submitter. Criteria: ACMG Guidelines, 2015. Collection method: clinical testing. Allele origin: germline.

GeneDx
Classification: Pathogenic. Last evaluated: 2018-05-14. Review status: criteria provided, single submitter. Criteria: GeneDx Variant Classification (06012015). Collection method: clinical testing. Allele origin: germline. Affected: yes.
Comment: The c.760delA variant (also known as c.752delA due to alternate nomenclature) in the ESCO2 gene has been reported previously with a second variant in ESCO2 in several unrelated individuals with diagnoses of Roberts-SC phocomelia syndrome (Schule et al., 2005; Gordillo et al., 2008). The c.760delA variant causes a frameshift starting with codon Threonine 254, changes this amino acid to a Leucine residue, and creates a premature Stop codon at position 13 of the new reading frame, denoted p.Thr254LeufsX13. This variant is predicted to cause loss of normal protein function either through protein truncation or nonsense-mediated mRNA decay. The c.760delA variant is not observed in large population cohorts (Lek et al., 2016). We interpret c.760delA as a pathogenic variant.

Eurofins Ntd Llc (ga)
Classification: Pathogenic. Last evaluated: 2017-01-12. Review status: criteria provided, single submitter. Criteria: EGL Classification Definitions 2015. Collection method: clinical testing. Allele origin: germline. Observed: 1 variant allele, 1 heterozygote.

Genetic Services Laboratory, University of Chicago
Classification: Pathogenic for Roberts syndrome. Last evaluated: 2013-02-08. Review status: criteria provided, single submitter. Criteria: ACMG Guidelines, 2007. Collection method: clinical testing. Allele origin: germline. Inheritance: Autosomal recessive inheritance. Affected: yes.

OMIM
Classification: Pathogenic for ROBERTS-SC PHOCOMELIA SYNDROME. Last evaluated: 2005-12-01. Review status: no assertion criteria provided. Collection method: literature only. Allele origin: germline. Not counted in ClinVar's aggregate classification.

GeneReviews
No classification provided. Condition: Roberts-SC phocomelia syndrome. Review status: no classification provided. Collection method: literature only. Allele origin: unknown. Not counted in ClinVar's aggregate classification.

Literature cited by the submitters: PubMed 16380922 (cited by 4 submitters); PubMed 18411254 (cited by 3 submitters); PubMed 15821733 (cited by Labcorp Genetics (formerly Invitae), Labcorp); PubMed 20301332 (cited by GeneReviews); NCBI Bookshelf NBK1153 (cited by GeneReviews).